The following is an entry in ClinVar:

ClinVar aggregate classification (germline): Uncertain significance (1 of 4 stars; one submission).

Allele frequency attached by ClinVar (database versions not stated): ExAC 0.00001; gnomAD exomes 0.00001; TOPMed 0.00003.
gnomAD v4.1: 13 of 1,614,050 alleles (0.00081%); highest among the groups gnomAD compares: African/African-American, 0.0053%; no homozygotes.

Submission:

GeneDx
Classification: Uncertain significance. Last evaluated: 2020-06-23. Review status: criteria provided, single submitter. Criteria: GeneDx Variant Classification Process June 2021. Collection method: clinical testing. Allele origin: germline. Affected: yes.
Comment: Not observed at a significant frequency in large population cohorts (Lek et al., 2016); In silico analysis supports that this missense variant does not alter protein structure/function; Has not been previously published as pathogenic or benign to our knowledge

NM_018993.4(RIN2):c.1408C>G (p.Gln470Glu)

Gene: RIN2 (Ras and Rab interactor 2; plus strand). Cytogenetic location: 20p11.23.
Variant type: single nucleotide variant.
Coding change: c.1408C>G on transcript NM_018993.4 (MANE Select); coding-DNA position 1408, C replaced by G.
Protein change: p.Gln470Glu; replaces glutamine 470 with glutamic acid.
Molecular consequence: missense variant.
Genome position (GRCh38, 1-based): chr20:19,975,433, C>G. VCF-style: chr20-19975433-C-G. GRCh37 (hg19) VCF-style: chr20-19956077-C-G.
Other names: c.1555C>G, p.Gln519Glu (NM_001242581.2); c.790C>G, p.Gln264Glu (NM_001378238.1); short protein forms Q264E, Q470E, Q519E.
Identifiers: ClinVar variation 1312830 (VCV001312830.2), dbSNP rs752982932, ClinGen allele CA9780080.